The following is an entry in ClinVar:

NM_001351132.2(PEX5):c.1252C>A (p.Leu418Met)

Gene: PEX5 (peroxisomal biogenesis factor 5; plus strand). Cytogenetic location: 12p13.31.
Variant type: single nucleotide variant.
Coding change: c.1252C>A on transcript NM_001351132.2 (MANE Select); coding-DNA position 1252, C replaced by A.
Protein change: p.Leu418Met; replaces leucine 418 with methionine.
Molecular consequence: missense variant.
Genome position (GRCh38, 1-based): chr12:7,208,527, C>A. VCF-style: chr12-7208527-C-A. GRCh37 (hg19) VCF-style: chr12-7361123-C-A.
Other names: c.1228C>A, p.Leu410Met (NM_000319.5); c.1297C>A, p.Leu433Met (NM_001131023.2); c.1141C>A, p.Leu381Met (NM_001131024.2, NM_001351124.3, NM_001351126.2 and 7 more transcripts); c.1252C>A, p.Leu418Met (NM_001131025.2, NM_001131026.2, NM_001300789.3 and 4 more transcripts); c.1186C>A, p.Leu396Met (NM_001351135.3, NM_001351138.2); c.1243C>A, p.Leu415Met (NM_001351136.2); c.1117C>A, p.Leu373Met (NM_001351139.2, NM_001351140.2, NM_001374649.2); short protein forms L418M, L433M, L381M, L415M, L373M, L410M, L396M.
Identifiers: ClinVar variation 1399468 (VCV001399468.8), dbSNP rs2136236124, ClinGen allele CA383732915.

ClinVar aggregate classification (germline): Uncertain significance (1 of 4 stars; one submission).

Conditions:
Peroxisome biogenesis disorder 2B (PBD2B). Identifiers: Orphanet 44, MedGen C3550234, MONDO:0008736, OMIM 202370.

Submission:

Labcorp Genetics (formerly Invitae), Labcorp
Classification: Uncertain significance for Peroxisome biogenesis disorder 2B. Last evaluated: 2021-12-02. Review status: criteria provided, single submitter. Criteria: Invitae Variant Classification Sherloc (09022015). Collection method: clinical testing. Allele origin: germline.
Comment: This sequence change replaces leucine, which is neutral and non-polar, with methionine, which is neutral and non-polar, at codon 418 of the PEX5 protein (p.Leu418Met). This variant is not present in population databases (gnomAD no frequency). This variant has not been reported in the literature in individuals affected with PEX5-related conditions. Algorithms developed to predict the effect of missense changes on protein structure and function (SIFT, PolyPhen-2, Align-GVGD) all suggest that this variant is likely to be tolerated. In summary, the available evidence is currently insufficient to determine the role of this variant in disease. Therefore, it has been classified as a Variant of Uncertain Significance.